The following is an entry in ClinVar:

NM_017617.5(NOTCH1):c.3198G>A (p.Ser1066=)

Gene: NOTCH1 (notch receptor 1; minus strand). Cytogenetic location: 9q34.3.
Variant type: single nucleotide variant.
Coding change: c.3198G>A on transcript NM_017617.5 (MANE Select); coding-DNA position 3198, G replaced by A.
Protein change: p.Ser1066=; no amino-acid change (serine 1066 retained).
Molecular consequence: synonymous variant.
Genome position (GRCh38, 1-based): chr9:136,508,359, C>T on the plus strand (G>A on the coding strand, the complement: NOTCH1 is on the minus strand). VCF-style: chr9-136508359-C-T. GRCh37 (hg19) VCF-style: chr9-139402811-C-T.
Other names: c.3198G>A, p.Ser1066= (LRG_1122t1).
Identifiers: ClinVar variation 241134 (VCV000241134.24), dbSNP rs199892488, ClinGen allele CA5341018.

ClinVar aggregate classification (germline): Benign/Likely benign. Review status: criteria provided, multiple submitters, no conflicts (2 of 4 stars). 10 submissions from 9 submitters: Benign (1); Likely benign (9). Last evaluated 2026-08-01.

Conditions:
Adams-Oliver syndrome 5 (AOS5). Identifiers: Orphanet 974, MedGen C4014970, MONDO:0014459, OMIM 616028.
Familial thoracic aortic aneurysm and aortic dissection (TAAD). Also called: Thoracic aortic aneurysms and dissections. Identifiers: Orphanet 91387, MedGen C4707243, MONDO:0019625.
Aortic valve disease 1 (AOVD1). Identifiers: MedGen C3887892, MONDO:0024523, OMIM 109730.

Allele frequency attached by ClinVar (database versions not stated): ESP Exome Variant Server 0.00008; gnomAD 0.00020 and 0.00022; ExAC 0.00025; TOPMed 0.00025; gnomAD exomes 0.00037.
gnomAD v4.1: 307 of 1,613,096 alleles (0.019%); highest among the groups gnomAD compares: African/African-American, 0.008%; 1 homozygote.

Submissions (10):

CeGaT Center for Human Genetics Tuebingen
Classification: Likely benign. Last evaluated: 2026-08-01. Review status: criteria provided, single submitter. Criteria: CeGaT Center For Human Genetics Tuebingen Variant Classification Criteria Version 2. Collection method: clinical testing. Allele origin: germline. Affected: yes. Observed: 1 variant allele.
Comment: NOTCH1: BP4, BP7

Labcorp Genetics (formerly Invitae), Labcorp
Classification: Likely benign for Adams-Oliver syndrome 5. Last evaluated: 2026-01-17. Review status: criteria provided, single submitter. Criteria: Invitae Variant Classification Sherloc (09022015). Collection method: clinical testing. Allele origin: germline.

Blueprint Genetics
Classification: Likely benign. Last evaluated: 2024-11-27. Review status: criteria provided, single submitter. Criteria: ACMG Guidelines, 2015. Collection method: clinical testing. Allele origin: germline.

Women's Health and Genetics/Laboratory Corporation of America, LabCorp
Classification: Benign. Last evaluated: 2023-11-13. Review status: criteria provided, single submitter. Criteria: LabCorp Variant Classification Summary - May 2015. Collection method: clinical testing. Allele origin: germline.

Genome-Nilou Lab
Classification: Likely benign for Adams-Oliver syndrome 5. Last evaluated: 2022-03-15. Review status: criteria provided, single submitter. Criteria: ACMG Guidelines, 2015. Collection method: clinical testing. Allele origin: germline. Affected: no.

Genome-Nilou Lab
Classification: Likely benign for Aortic valve disease 1. Last evaluated: 2022-03-15. Review status: criteria provided, single submitter. Criteria: ACMG Guidelines, 2015. Collection method: clinical testing. Allele origin: germline. Affected: no.

GeneDx
Classification: Likely benign. Last evaluated: 2021-03-17. Review status: criteria provided, single submitter. Criteria: GeneDx Variant Classification Process June 2021. Collection method: clinical testing. Allele origin: germline. Affected: yes.

CHEO Genetics Diagnostic Laboratory, Children's Hospital of Eastern Ontario
Classification: Likely benign for Familial thoracic aortic aneurysm and aortic dissection. Last evaluated: 2017-05-12. Review status: criteria provided, single submitter. Criteria: ACMG Guidelines, 2015. Collection method: clinical testing. Allele origin: germline. Study: Canadian Open Genetics Repository.

Ambry Genetics
Classification: Likely benign for Familial thoracic aortic aneurysm and aortic dissection. Last evaluated: 2015-07-29. Review status: criteria provided, single submitter. Criteria: Ambry Variant Classification Scheme 2023. Collection method: clinical testing. Allele origin: germline.

Breakthrough Genomics
Classification: Likely benign. Review status: criteria provided, single submitter. Criteria: ACMG Guidelines, 2015. Collection method: not provided. Allele origin: germline. Inheritance: Autosomal dominant inheritance. Affected: yes.